The following is an entry in ClinVar:

NM_015450.3(POT1):c.1701G>C (p.Gln567His)

Gene: POT1 (protection of telomeres 1; minus strand). Cytogenetic location: 7q31.33.
Variant type: single nucleotide variant.
Coding change: c.1701G>C on transcript NM_015450.3 (MANE Select); coding-DNA position 1701, G replaced by C.
Protein change: p.Gln567His; replaces glutamine 567 with histidine.
Molecular consequence: missense variant. On other transcripts: non-coding transcript variant (3).
Genome position (GRCh38, 1-based): chr7:124,825,343, C>G on the plus strand (G>C on the coding strand, the complement: POT1 is on the minus strand). VCF-style: chr7-124825343-C-G. GRCh37 (hg19) VCF-style: chr7-124465397-C-G.
Other names: c.1308G>C, p.Gln436His (NM_001042594.2); c.1701G>C (NM_015450.2); short protein forms Q436H, Q567H.
Identifiers: ClinVar variation 1059125 (VCV001059125.11), dbSNP rs1176534587, ClinGen allele CA369062531.

ClinVar aggregate classification (germline): Uncertain significance. Review status: criteria provided, multiple submitters, no conflicts (2 of 4 stars). 2 submissions from 2 submitters: Uncertain significance (2). Last evaluated 2025-04-14.

Conditions:
Tumor predisposition syndrome 3 (TPDS3). Also called: Melanoma, cutaneous malignant, susceptibility to, 10; Glioma susceptibility 9; LONG TELOMERE SYNDROME, POT1-RELATED; POT1 Tumor Predisposition. Identifiers: Orphanet 618, MedGen C4014476, MONDO:0014368, OMIM 615848.
Hereditary cancer-predisposing syndrome. Also called: Neoplastic Syndromes, Hereditary; Hereditary Cancer Syndrome; Hereditary neoplastic syndrome; Tumor predisposition. Identifiers: Orphanet 140162, MedGen C0027672, MeSH D009386, MONDO:0015356.

Allele frequency attached by ClinVar (database versions not stated): gnomAD exomes below 0.00001.
gnomAD v4.1: 2 of 1,600,942 alleles (0.00012%); highest among the groups gnomAD compares: Non-Finnish European, 0.00017%; no homozygotes.

Submissions (2):

Labcorp Genetics (formerly Invitae), Labcorp
Classification: Uncertain significance for Tumor predisposition syndrome 3. Last evaluated: 2025-04-14. Review status: criteria provided, single submitter. Criteria: Invitae Variant Classification Sherloc (09022015). Collection method: clinical testing. Allele origin: germline.
Comment: This sequence change replaces glutamine, which is neutral and polar, with histidine, which is basic and polar, at codon 567 of the POT1 protein (p.Gln567His). This variant is not present in population databases (gnomAD no frequency). This variant has not been reported in the literature in individuals affected with POT1-related conditions. ClinVar contains an entry for this variant (Variation ID: 1059125). Invitae Evidence Modeling of protein sequence and biophysical properties (such as structural, functional, and spatial information, amino acid conservation, physicochemical variation, residue mobility, and thermodynamic stability) indicates that this missense variant is not expected to disrupt POT1 protein function with a negative predictive value of 80%. In summary, the available evidence is currently insufficient to determine the role of this variant in disease. Therefore, it has been classified as a Variant of Uncertain Significance.

Ambry Genetics
Classification: Uncertain significance for Hereditary cancer-predisposing syndrome. Last evaluated: 2024-09-11. Review status: criteria provided, single submitter. Criteria: Ambry Variant Classification Scheme 2023. Collection method: clinical testing. Allele origin: germline.
Comment: The p.Q567H variant (also known as c.1701G>C), located in coding exon 14 of the POT1 gene, results from a G to C substitution at nucleotide position 1701. The glutamine at codon 567 is replaced by histidine, an amino acid with highly similar properties. This amino acid position is not well conserved in available vertebrate species. In addition, this alteration is predicted to be tolerated by in silico analysis. Since supporting evidence is limited at this time, the clinical significance of this alteration remains unclear.